The following is an entry in ClinVar:

NM_000540.3(RYR1):c.4963C>T (p.Arg1655Cys)

Gene: RYR1 (ryanodine receptor 1; plus strand). Cytogenetic location: 19q13.2.
Variant type: single nucleotide variant.
Coding change: c.4963C>T on transcript NM_000540.3 (MANE Select); coding-DNA position 4963, C replaced by T.
Protein change: p.Arg1655Cys; replaces arginine 1655 with cysteine.
Molecular consequence: missense variant.
Genome position (GRCh38, 1-based): chr19:38,485,618, C>T. VCF-style: chr19-38485618-C-T. GRCh37 (hg19) VCF-style: chr19-38976258-C-T.
Other names: c.4963C>T, p.Arg1655Cys (NM_001042723.2); short protein forms R1655C.
Identifiers: ClinVar variation 994735 (VCV000994735.4), dbSNP rs371777056, ClinGen allele CA066551.

ClinVar aggregate classification (germline): Uncertain significance. Review status: criteria provided, multiple submitters, no conflicts (2 of 4 stars). 4 submissions from 4 submitters: Uncertain significance (4). Last evaluated 2024-02-27.

Conditions:
Inborn genetic diseases. Identifiers: MedGen C0950123, MeSH D030342.
Congenital multicore myopathy with external ophthalmoplegia (CMYO1B). Also called: MULTICORE MYOPATHY; MULTIMINICORE DISEASE WITH EXTERNAL OPHTHALMOPLEGIA; Congenital myopathy 1B, autosomal recessive; Minicore myopathy; Minicore myopathy with external ophthalmoplegia. Identifiers: Orphanet 598, Orphanet 98905, MedGen C1850674, MONDO:0009712, OMIM 255320, HP:0003789.
Congenital myopathy with fiber type disproportion. Also called: Congenital fiber-type disproportion myopathy; Congenital fiber-type disproportion. Identifiers: Orphanet 2020, MedGen C0546264, MONDO:0009711. Inheritance: all.
Malignant hyperthermia, susceptibility to, 1 (MHS1). Also called: RYR1-Related Malignant Hyperthermia Susceptibility; Malignant hyperthermia suceptibility 1; Anesthesia related hyperthermia; Malignant hyperpyrexia; Fulminating hyperpyrexia; Pharmacogenic myopathy. Identifiers: Orphanet 423, MedGen C2930980, MONDO:0007783, OMIM 145600.
Central core myopathy (CMYO1A). Also called: CONGENITAL MYOPATHY 1A, AUTOSOMAL DOMINANT, WITH SUSCEPTIBILITY TO MALIGNANT HYPERTHERMIA; Central core disease; Myopathy, central fibrillar. Identifiers: Orphanet 597, MedGen C5830701, MONDO:0007294, OMIM 117000.
King Denborough syndrome (KDS). Identifiers: MedGen C1840365, MONDO:0020485, OMIM 619542.

Allele frequency attached by ClinVar (database versions not stated): gnomAD exomes 0.00001; ExAC 0.00003; gnomAD 0.00003 and 0.00004; TOPMed 0.00005; ESP Exome Variant Server 0.00008.
gnomAD v4.1: 10 of 1,609,656 alleles (0.00062%); highest among the groups gnomAD compares: African/African-American, 0.008%; no homozygotes.

Submissions (4):

Ambry Genetics
Classification: Uncertain significance for Inborn genetic diseases. Last evaluated: 2024-02-27. Review status: criteria provided, single submitter. Criteria: Ambry Variant Classification Scheme 2023. Collection method: clinical testing. Allele origin: germline.

GeneDx
Classification: Uncertain significance. Last evaluated: 2023-05-17. Review status: criteria provided, single submitter. Criteria: GeneDx Variant Classification Process June 2021. Collection method: clinical testing. Allele origin: germline. Affected: yes.
Comment: Not observed at significant frequency in large population cohorts (gnomAD); In silico analysis supports that this missense variant has a deleterious effect on protein structure/function; Has not been previously published as pathogenic or benign to our knowledge

Fulgent Genetics
Classification: Uncertain significance for Central core myopathy; Malignant hyperthermia, susceptibility to, 1; Congenital myopathy 4A, autosomal dominant; Congenital multicore myopathy with external ophthalmoplegia; King Denborough syndrome. Last evaluated: 2021-07-13. Review status: criteria provided, single submitter. Criteria: ACMG Guidelines, 2015. Collection method: clinical testing. Allele origin: unknown.

Athena Diagnostics
Classification: Uncertain significance. Last evaluated: 2019-11-04. Review status: criteria provided, single submitter. Criteria: Athena Diagnostics Criteria. Collection method: clinical testing. Allele origin: unknown.